The following is an entry in ClinVar:

NM_005026.5(PIK3CD):c.557C>T (p.Pro186Leu)

Gene: PIK3CD (phosphatidylinositol-4,5-bisphosphate 3-kinase catalytic subunit delta; plus strand). Cytogenetic location: 1p36.22.
Variant type: single nucleotide variant.
Coding change: c.557C>T on transcript NM_005026.5 (MANE Select); coding-DNA position 557, C replaced by T.
Protein change: p.Pro186Leu; replaces proline 186 with leucine.
Molecular consequence: missense variant.
Genome position (GRCh38, 1-based): chr1:9,716,035, C>T. VCF-style: chr1-9716035-C-T. GRCh37 (hg19) VCF-style: chr1-9776093-C-T.
Other names: c.557C>T (LRG_191t1); c.557C>T, p.Pro186Leu (NM_001350234.2, NM_001350235.1); short protein forms P186L.
Identifiers: ClinVar variation 660809 (VCV000660809.15), dbSNP rs779715026, ClinGen allele CA576899.

ClinVar aggregate classification (germline): Uncertain significance. Review status: criteria provided, multiple submitters, no conflicts (2 of 4 stars). 5 submissions from 5 submitters: Uncertain significance (4). 1 of the submissions does not count toward it. Last evaluated 2025-07-22.

Conditions:
PIK3CD-related disorder. Also called: PIK3CD-related condition.
Inborn genetic diseases. Identifiers: MedGen C0950123, MeSH D030342.
Immunodeficiency 14 (IMD14A). Also called: p110-DELTA-ACTIVATING MUTATION CAUSING SENESCENT T CELLS, LYMPHADENOPATHY, AND IMMUNODEFICIENCY; IMMUNODEFICIENCY 14A WITH LYMPHOPROLIFERATION, AUTOSOMAL DOMINANT; ACTIVATED PI3K-DELTA SYNDROME 1; Activated PI3K Delta Syndrome Type 1 (APDS1). Identifiers: Orphanet 397596, Orphanet 693661, MedGen C5907821, MONDO:0014222, OMIM 615513.

Allele frequency attached by ClinVar (database versions not stated): gnomAD exomes 0.00003 and 0.00001; ExAC 0.00002; TOPMed 0.00006; gnomAD 0.00002.

Submissions (5):

Labcorp Genetics (formerly Invitae), Labcorp
Classification: Uncertain significance for Activated PI3K-delta syndrome. Last evaluated: 2025-07-22. Review status: criteria provided, single submitter. Criteria: Invitae Variant Classification Sherloc (09022015). Collection method: clinical testing. Allele origin: germline.
Comment: This sequence change replaces proline, which is neutral and non-polar, with leucine, which is neutral and non-polar, at codon 186 of the PIK3CD protein (p.Pro186Leu). This variant is present in population databases (rs779715026, gnomAD 0.006%). This variant has not been reported in the literature in individuals affected with PIK3CD-related conditions. ClinVar contains an entry for this variant (Variation ID: 660809). Invitae Evidence Modeling of protein sequence and biophysical properties (such as structural, functional, and spatial information, amino acid conservation, physicochemical variation, residue mobility, and thermodynamic stability) indicates that this missense variant is not expected to disrupt PIK3CD protein function with a negative predictive value of 80%. In summary, the available evidence is currently insufficient to determine the role of this variant in disease. Therefore, it has been classified as a Variant of Uncertain Significance.

GeneDx
Classification: Uncertain significance. Last evaluated: 2023-11-13. Review status: criteria provided, single submitter. Criteria: GeneDx Variant Classification Process June 2021. Collection method: clinical testing. Allele origin: germline. Affected: yes.
Comment: In silico analysis supports that this missense variant does not alter protein structure/function; Has not been previously published as pathogenic or benign to our knowledge

Neuberg Centre For Genomic Medicine, NCGM
Classification: Uncertain significance for Immunodeficiency 14. Last evaluated: 2023-07-22. Review status: criteria provided, single submitter. Criteria: ACMG Guidelines, 2015. Collection method: clinical testing. Allele origin: germline. Inheritance: Autosomal dominant inheritance. Affected: yes.
Comment: The missense variant c.557C>Tp.Pro186Leu in PIK3CD gene has not been reported previously as a pathogenic variant nor as a benign variant, to our knowledge. The observed variant has allele frequency of 0.003% in gnomAD exomes database. This variant has been reported to the ClinVar database as Uncertain Significance. Multiple lines of computational evidence Polyphen - possibly damaging , SIFT - tolerated and MutationTaster - disease causing predicts conflicting evidence on protein structure and function for this variant. The amino acid change p.Pro186Leu in PIK3CD is predicted as conserved by GERP++ and PhyloP across 100 vertebrates. The amino acid Pro at position 186 is changed to a Leu changing protein sequence and it might alter its composition and physico-chemical properties. For these reasons, this variant has been classified as Uncertain Significance VUS.

Ambry Genetics
Classification: Uncertain significance for Inborn genetic diseases. Last evaluated: 2023-06-02. Review status: criteria provided, single submitter. Criteria: Ambry Variant Classification Scheme 2023. Collection method: clinical testing. Allele origin: germline.

PreventionGenetics, part of Exact Sciences
Classification: Uncertain significance for PIK3CD-related condition. Last evaluated: 2024-01-11. Review status: no assertion criteria provided. Collection method: clinical testing. Allele origin: germline. Not counted in ClinVar's aggregate classification.
Comment: The PIK3CD c.557C>T variant is predicted to result in the amino acid substitution p.Pro186Leu. To our knowledge, this variant has not been reported in the literature. This variant is reported in 0.0087% of alleles in individuals of Latino descent in gnomAD. At this time, the clinical significance of this variant is uncertain due to the absence of conclusive functional and genetic evidence.